The following is an entry in ClinVar:

NM_000030.3(AGXT):c.481G>C (p.Gly161Arg)

Gene: AGXT (alanine--glyoxylate aminotransferase; plus strand). Cytogenetic location: 2q37.3.
Variant type: single nucleotide variant.
Coding change: c.481G>C on transcript NM_000030.3 (MANE Select); coding-DNA position 481, G replaced by C.
Protein change: p.Gly161Arg; replaces glycine 161 with arginine.
Molecular consequence: missense variant.
Genome position (GRCh38, 1-based): chr2:240,871,406, G>C. VCF-style: chr2-240871406-G-C. GRCh37 (hg19) VCF-style: chr2-241810823-G-C.
Other names: short protein forms G161R.
Identifiers: ClinVar variation 204106 (VCV000204106.3), dbSNP rs180177227, ClinGen allele CA275700.
Genomic context (GRCh38, chr2:240,871,406, plus strand): 5'-CAGGGCCTGGCCCAGCACAAGCCAGTGCTGCTGTTCTTAACCCACGGGGAGTCGTCCACC[G>C]GCGTGCTGCAGCCCCTTGATGGCTTCGGGGAACTCTGCCACAGGTGAGCCTGGCCCCAGG-3'
Protein context (NP_000021.1, residues 151-171): LFLTHGESST[Gly161Arg]VLQPLDGFGE

ClinVar aggregate classification (germline): Likely pathogenic. Review status: criteria provided, single submitter (1 of 4 stars). 2 submissions from 2 submitters: Likely pathogenic (1). 1 of the submissions does not count toward it. Last evaluated 2025-04-08.

Conditions:
Primary hyperoxaluria, type I (HP1). Also called: GLYCOLIC ACIDURIA; HEPATIC AGT DEFICIENCY; OXALOSIS I; Primary hyperoxaluria type 1. Identifiers: Orphanet 416, Orphanet 93598, MedGen C0268164, MONDO:0009823, OMIM 259900. Disease mechanism: loss of function.

Submissions (2):

Myriad Genetics, Inc.
Classification: Likely pathogenic for Primary hyperoxaluria, type I. Last evaluated: 2025-04-08. Review status: criteria provided, single submitter. Criteria: Myriad Autosomal Dominant, Autosomal Recessive and X-Linked Classification Criteria (2023). Collection method: clinical testing. Allele origin: unknown.
Comment: NM_000030.2(AGXT):c.481G>C(G161R) is a missense variant classified as likely pathogenic in the context of primary hyperoxaluria type 1. G161R has been observed in a case with relevant disease (PMID: 15963748). Relevant functional assessments of this variant are available in the literature (PMID: 15963748, 16971151). Internal structural analysis of the variant is supportive of pathogenicity. G161R has not been observed in referenced population frequency databases. In summary, NM_000030.2(AGXT):c.481G>C(G161R) is a missense variant that has internal structural support for pathogenicity and has been observed more frequently in cases with the relevant disease than in healthy populations. Please note: this variant was assessed in the context of healthy population screening.

Clinical Biochemistry Laboratory, Health Services Laboratory
Classification: Pathogenic for Primary hyperoxaluria, type I. Last evaluated: 2014-11-27. Review status: no assertion criteria provided. Collection method: in vitro. Allele origin: germline. Affected: yes. Not counted in ClinVar's aggregate classification.

Literature cited by the submitters: PubMed 15963748 (cited by Myriad Genetics, Inc. and Clinical Biochemistry Laboratory, Health Services Laboratory); PubMed 16971151 (cited by Myriad Genetics, Inc.); PubMed 24718375 (cited by Clinical Biochemistry Laboratory, Health Services Laboratory).